The following is an entry in ClinVar:

ClinVar aggregate classification (germline): Uncertain significance. Review status: criteria provided, multiple submitters, no conflicts (2 of 4 stars). 2 submissions from 2 submitters: Uncertain significance (2). Last evaluated 2023-05-10.

Conditions:
Inborn genetic diseases. Identifiers: MedGen C0950123, MeSH D030342.

Allele frequency attached by ClinVar (database versions not stated): ExAC 0.00001; gnomAD 0.00002; gnomAD exomes 0.00006; ESP Exome Variant Server 0.00008.
gnomAD v4.1: 95 of 1,613,630 alleles (0.0059%); highest among the groups gnomAD compares: Non-Finnish European, 0.0076%; no homozygotes.

Submissions (2):

Ambry Genetics
Classification: Uncertain significance for Inborn genetic diseases. Last evaluated: 2023-05-10. Review status: criteria provided, single submitter. Criteria: Ambry Variant Classification Scheme 2023. Collection method: clinical testing. Allele origin: germline.

Labcorp Genetics (formerly Invitae), Labcorp
Classification: Uncertain significance. Last evaluated: 2022-07-19. Review status: criteria provided, single submitter. Criteria: Invitae Variant Classification Sherloc (09022015). Collection method: clinical testing. Allele origin: germline.
Comment: This sequence change replaces serine, which is neutral and polar, with cysteine, which is neutral and slightly polar, at codon 1184 of the POLR3A protein (p.Ser1184Cys). This variant is present in population databases (rs377457288, gnomAD 0.003%). This variant has not been reported in the literature in individuals affected with POLR3A-related conditions. Algorithms developed to predict the effect of missense changes on protein structure and function are either unavailable or do not agree on the potential impact of this missense change (SIFT: "Deleterious"; PolyPhen-2: "Possibly Damaging"; Align-GVGD: "Class C0"). In summary, the available evidence is currently insufficient to determine the role of this variant in disease. Therefore, it has been classified as a Variant of Uncertain Significance.

NM_007055.4(POLR3A):c.3551C>G (p.Ser1184Cys)

Gene: POLR3A (RNA polymerase III subunit A; minus strand). Cytogenetic location: 10q22.3.
Variant type: single nucleotide variant.
Coding change: c.3551C>G on transcript NM_007055.4 (MANE Select); coding-DNA position 3551, C replaced by G.
Protein change: p.Ser1184Cys; replaces serine 1184 with cysteine.
Molecular consequence: missense variant.
Genome position (GRCh38, 1-based): chr10:77,982,696, G>C on the plus strand (C>G on the coding strand, the complement: POLR3A is on the minus strand). VCF-style: chr10-77982696-G-C. GRCh37 (hg19) VCF-style: chr10-79742454-G-C.
Other names: c.3551C>G (NM_007055.3); short protein forms S1184C.
Identifiers: ClinVar variation 2190829 (VCV002190829.3), dbSNP rs377457288, ClinGen allele CA5570800.